The following is an entry in ClinVar:

ClinVar aggregate classification (germline): Uncertain significance (1 of 4 stars; one submission).

Conditions:
Charcot-Marie-Tooth disease type 2. Also called: Charcot-Marie-Tooth type 2. Identifiers: Orphanet 64746, MedGen C0270914, MONDO:0018993.

Submission:

Labcorp Genetics (formerly Invitae), Labcorp
Classification: Uncertain significance for Charcot-Marie-Tooth disease type 2. Last evaluated: 2025-10-08. Review status: criteria provided, single submitter. Criteria: Invitae Variant Classification Sherloc (09022015). Collection method: clinical testing. Allele origin: germline.
Comment: This sequence change replaces asparagine, which is neutral and polar, with aspartic acid, which is acidic and polar, at codon 490 of the KIF1B protein (p.Asn490Asp). This variant is not present in population databases (gnomAD no frequency). This variant has not been reported in the literature in individuals affected with KIF1B-related conditions. Invitae Evidence Modeling of protein sequence and biophysical properties (such as structural, functional, and spatial information, amino acid conservation, physicochemical variation, residue mobility, and thermodynamic stability) indicates that this missense variant is expected to disrupt KIF1B protein function with a positive predictive value of 80%. In summary, the available evidence is currently insufficient to determine the role of this variant in disease. Therefore, it has been classified as a Variant of Uncertain Significance.

NM_001365951.3(KIF1B):c.1606A>G (p.Asn536Asp)

Gene: KIF1B (kinesin family member 1B; plus strand). Cytogenetic location: 1p36.22.
Variant type: single nucleotide variant.
Coding change: c.1606A>G on transcript NM_001365951.3 (MANE Select); coding-DNA position 1606, A replaced by G.
Protein change: p.Asn536Asp; replaces asparagine 536 with aspartic acid.
Molecular consequence: missense variant.
Genome position (GRCh38, 1-based): chr1:10,295,101, A>G. VCF-style: chr1-10295101-A-G. GRCh37 (hg19) VCF-style: chr1-10355159-A-G.
Other names: c.1606A>G, p.Asn536Asp (NM_001365952.1); c.1468A>G, p.Asn490Asp (NM_001365953.1, NM_015074.3, NM_183416.4); short protein forms N536D, N490D.
Identifiers: ClinVar variation 4740294 (VCV004740294.1).